The following is an entry in ClinVar:

NM_001365536.1(SCN9A):c.2432T>C (p.Phe811Ser)

Genes: SCN1A-AS1 (SCN1A and SCN9A antisense RNA 1; plus strand), SCN9A (sodium voltage-gated channel alpha subunit 9; minus strand). Cytogenetic location: 2q24.3.
Variant type: single nucleotide variant.
Coding change: c.2432T>C on transcript NM_001365536.1 (MANE Select); coding-DNA position 2432, T replaced by C.
Protein change: p.Phe811Ser; replaces phenylalanine 811 with serine.
Molecular consequence: missense variant.
Genome position (GRCh38, 1-based): chr2:166,278,225, A>G on the plus strand (T>C on the coding strand, the complement: SCN9A is on the minus strand). VCF-style: chr2-166278225-A-G. GRCh37 (hg19) VCF-style: chr2-167134735-A-G.
Other names: c.2399T>C, p.Phe800Ser (NM_002977.4); short protein forms F800S, F811S.
Identifiers: ClinVar variation 581238 (VCV000581238.9), dbSNP rs182018126, ClinGen allele CA1944276.

ClinVar aggregate classification (germline): Uncertain significance (1 of 4 stars; one submission).

Conditions:
Neuropathy, hereditary sensory and autonomic, type 2A (HSAN2A). Also called: ACROOSTEOLYSIS, GIACCAI TYPE; ACROOSTEOLYSIS, NEUROGENIC; MORVAN DISEASE; NEUROPATHY, CONGENITAL SENSORY; NEUROPATHY, HEREDITARY SENSORY RADICULAR, AUTOSOMAL RECESSIVE; NEUROPATHY, HEREDITARY SENSORY, TYPE IIA. Identifiers: Orphanet 970, MedGen C2752089, MONDO:0024309, OMIM 201300.
Generalized epilepsy with febrile seizures plus, type 7 (GEFSP7). Also called: GEFS+, TYPE 7. Identifiers: Orphanet 36387, MedGen C2751778, MONDO:0013470, OMIM 613863.

Allele frequency attached by ClinVar (database versions not stated): gnomAD exomes below 0.00001; ExAC 0.00001; gnomAD 0.00001; 1000 Genomes Project 30x 0.00016; 1000 Genomes Project 0.00020.
gnomAD v4.1: 1 of 1,612,876 alleles (0.000062%); highest among the groups gnomAD compares: East Asian, 0.0022%; no homozygotes.

Submission:

Labcorp Genetics (formerly Invitae), Labcorp
Classification: Uncertain significance for Neuropathy, hereditary sensory and autonomic, type 2A; Generalized epilepsy with febrile seizures plus, type 7. Last evaluated: 2020-01-27. Review status: criteria provided, single submitter. Criteria: Invitae Variant Classification Sherloc (09022015). Collection method: clinical testing. Allele origin: germline.
Comment: This variant is present in population databases (rs182018126, ExAC 0.01%). This sequence change replaces phenylalanine with serine at codon 800 of the SCN9A protein (p.Phe800Ser). The phenylalanine residue is highly conserved and there is a large physicochemical difference between phenylalanine and serine. In summary, the available evidence is currently insufficient to determine the role of this variant in disease. Therefore, it has been classified as a Variant of Uncertain Significance. Algorithms developed to predict the effect of missense changes on protein structure and function (SIFT, PolyPhen-2, Align-GVGD) all suggest that this variant is likely to be disruptive, but these predictions have not been confirmed by published functional studies and their clinical significance is uncertain. This variant has not been reported in the literature in individuals with SCN9A-related disease.